The following is an entry in ClinVar:

NM_000059.4(BRCA2):c.6662del (p.Asn2221fs)

Gene: BRCA2 (BRCA2 DNA repair associated; plus strand). Cytogenetic location: 13q13.1.
Variant type: Deletion.
Coding change: c.6662del on transcript NM_000059.4 (MANE Select); coding-DNA position 6662, one base deleted (A; older notation c.6662delA).
Protein change: p.Asn2221fs; shifts the reading frame from asparagine 2221.
Molecular consequence: frameshift variant.
Genome position (GRCh38, 1-based): chr13:32,341,017, A deleted; the last of 4 consecutive A bases (chr13:32,341,014-32,341,017); deleting any one gives the same sequence. VCF-style (leftmost placement, unchanged base first): chr13-32341013-GA-G. GRCh37 (hg19) VCF-style: chr13-32915150-GA-G.
Other names: c.6662delA (NM_000059.3); short protein forms N2221fs.
Identifiers: ClinVar variation 420953 (VCV000420953.17), dbSNP rs1064794812, ClinGen allele CA16619751.
Genomic context (GRCh38, chr13:32,341,013, plus strand): 5'-TTTTCTGATGTTCCTGTGAAAACAAATATAGAAGTTTGTTCTACTTACTCCAAAGATTCA[GA>G]AAACTACTTTGAAACAGAAGCAGTAGAAATTGCTAAAGCTTTTATGGAAGATGATGAACT-3'

ClinVar aggregate classification (germline): Pathogenic. Review status: reviewed by expert panel (3 of 4 stars). 5 submissions from 5 submitters: Pathogenic (1). 4 of the submissions do not count toward it. Last evaluated 2017-12-15.

Conditions:
Hereditary cancer-predisposing syndrome. Also called: Hereditary neoplastic syndrome; Hereditary Cancer Syndrome; Neoplastic Syndromes, Hereditary; Tumor predisposition. Identifiers: Orphanet 140162, MedGen C0027672, MeSH D009386, MONDO:0015356.
Hereditary breast ovarian cancer syndrome. Also called: Hereditary breast and ovarian cancer syndrome; BRCA1- and BRCA2-Associated Hereditary Breast and Ovarian Cancer; Hereditary breast and/or ovarian cancer syndrome; Hereditary breast and ovarian cancer; Breast and ovarian cancer; Hereditary breast and ovarian cancer syndrome (HBOC). Identifiers: Orphanet 145, MedGen C0677776, MeSH D061325, MONDO:0003582. Disease mechanism: loss of function.
Breast-ovarian cancer, familial, susceptibility to, 2 (BROVCA2). Also called: BRCA2 Hereditary Breast and Ovarian Cancer. Identifiers: Orphanet 145, MedGen C2675520, MONDO:0012933, OMIM 612555. Disease mechanism: loss of function.

Submissions (5):

Evidence-based Network for the Interpretation of Germline Mutant Alleles (ENIGMA)
Classification: Pathogenic for Breast-ovarian cancer, familial, susceptibility to, 2. Last evaluated: 2017-12-15. Review status: reviewed by expert panel. Criteria: ENIGMA BRCA1/2 Classification Criteria (2017-06-29). Collection method: curation. Allele origin: germline. Study: ENIGMA.
Comment: Variant allele predicted to encode a truncated non-functional protein.

Labcorp Genetics (formerly Invitae), Labcorp
Classification: Pathogenic for Hereditary breast ovarian cancer syndrome. Last evaluated: 2025-08-26. Review status: criteria provided, single submitter. Criteria: Invitae Variant Classification Sherloc (09022015). Collection method: clinical testing. Allele origin: germline. Not counted in ClinVar's aggregate classification.
Comment: This sequence change creates a premature translational stop signal (p.Asn2221Thrfs*8) in the BRCA2 gene. It is expected to result in an absent or disrupted protein product. Loss-of-function variants in BRCA2 are known to be pathogenic (PMID: 20104584). This variant is not present in population databases (gnomAD no frequency). This variant has not been reported in the literature in individuals affected with BRCA2-related conditions. ClinVar contains an entry for this variant (Variation ID: 420953). For these reasons, this variant has been classified as Pathogenic.

Ambry Genetics
Classification: Pathogenic for Hereditary cancer-predisposing syndrome. Last evaluated: 2024-07-08. Review status: criteria provided, single submitter. Criteria: Ambry Variant Classification Scheme 2023. Collection method: clinical testing. Allele origin: germline. Not counted in ClinVar's aggregate classification.
Comment: The c.6662delA pathogenic mutation, located in coding exon 10 of the BRCA2 gene, results from a deletion of one nucleotide at nucleotide position 6662, causing a translational frameshift with a predicted alternate stop codon (p.N2221Tfs*8). This variant was identified in a cohort of 4439 women with ovarian cancer undergoing multigene panel testing at one laboratory (Carter NJ et al. Gynecol Oncol, 2018 12;151:481-488). This variant is considered to be rare based on population cohorts in the Genome Aggregation Database (gnomAD). In addition to the clinical data presented in the literature, his alteration is expected to result in loss of function by premature protein truncation or nonsense-mediated mRNA decay. As such, this alteration is interpreted as a disease-causing mutation.

National Institute of Allergy and Infectious Diseases - Centralized Sequencing Program, National Institutes of Health
Classification: Pathogenic for Hereditary breast and ovarian cancer syndrome. Last evaluated: 2021-08-06. Review status: criteria provided, single submitter. Criteria: ACMG Guidelines, 2015. Collection method: clinical testing. Allele origin: germline. Affected: yes. Not counted in ClinVar's aggregate classification.

GeneDx
Classification: Pathogenic. Last evaluated: 2016-04-18. Review status: criteria provided, single submitter. Criteria: GeneDx Variant Classification (06012015). Collection method: clinical testing. Allele origin: germline. Affected: yes. Not counted in ClinVar's aggregate classification.
Comment: This deletion of one nucleotide in BRCA2 is denoted c.6662delA at the cDNA level and p.Asn2221ThrfsX8 (N2221TfsX8) at the protein level. Using alternate nomenclature, this variant may be defined as BRCA2 6890delA or 6659delA. The normal sequence, with the base that is deleted in braces, is GAAA[A]CTAC. The deletion causes a frameshift which changes an Asparagine to a Threonine at codon 2221, and creates a premature stop codon at position 8 of the new reading frame. Although this variant has not, to our knowledge, been reported in the literature, it is predicted to cause loss of normal protein function through either protein truncation or nonsense-mediated mRNA decay. We consider BRCA2 c.6662delA to be pathogenic.

Literature cited by the submitters: PubMed 20104584 (cited by Labcorp Genetics (formerly Invitae), Labcorp); PubMed 30322717 (cited by Ambry Genetics).